The following is an entry in ClinVar:

NM_003982.4(SLC7A7):c.1424T>C (p.Ile475Thr)

Gene: SLC7A7 (solute carrier family 7 member 7; minus strand). Cytogenetic location: 14q11.2.
Variant type: single nucleotide variant.
Coding change: c.1424T>C on transcript NM_003982.4 (MANE Select); coding-DNA position 1424, T replaced by C.
Protein change: p.Ile475Thr; replaces isoleucine 475 with threonine.
Molecular consequence: missense variant.
Genome position (GRCh38, 1-based): chr14:22,773,938, A>G on the plus strand (T>C on the coding strand, the complement: SLC7A7 is on the minus strand). VCF-style: chr14-22773938-A-G. GRCh37 (hg19) VCF-style: chr14-23243147-A-G.
Other names: c.1424T>C, p.Ile475Thr (NM_001126105.3, NM_001126106.4); short protein forms I475T.
Identifiers: ClinVar variation 2161888 (VCV002161888.1), dbSNP rs1407085102, ClinGen allele CA388921078.

ClinVar aggregate classification (germline): Uncertain significance (1 of 4 stars; one submission).

Conditions:
Lysinuric protein intolerance (LPI). Identifiers: Orphanet 470, MedGen C0268647, MONDO:0009109, OMIM 222700.

Allele frequency attached by ClinVar (database versions not stated): gnomAD 0.00001; TOPMed 0.00001.
gnomAD v4.1: 1 of 1,613,986 alleles (0.000062%); highest among the groups gnomAD compares: Non-Finnish European, 0.000085%; no homozygotes.

Submission:

Labcorp Genetics (formerly Invitae), Labcorp
Classification: Uncertain significance for Lysinuric protein intolerance. Last evaluated: 2022-09-19. Review status: criteria provided, single submitter. Criteria: Invitae Variant Classification Sherloc (09022015). Collection method: clinical testing. Allele origin: germline.
Comment: This sequence change replaces isoleucine, which is neutral and non-polar, with threonine, which is neutral and polar, at codon 475 of the SLC7A7 protein (p.Ile475Thr). This variant is not present in population databases (gnomAD no frequency). This variant has not been reported in the literature in individuals affected with SLC7A7-related conditions. Algorithms developed to predict the effect of missense changes on protein structure and function output the following: SIFT: "Tolerated"; PolyPhen-2: "Benign"; Align-GVGD: "Class C0". The threonine amino acid residue is found in multiple mammalian species, which suggests that this missense change does not adversely affect protein function. In summary, the available evidence is currently insufficient to determine the role of this variant in disease. Therefore, it has been classified as a Variant of Uncertain Significance.